The following is an entry in ClinVar:

ClinVar aggregate classification (germline): Uncertain significance. Review status: criteria provided, multiple submitters, no conflicts (2 of 4 stars). 2 submissions from 2 submitters: Uncertain significance (2). Last evaluated 2026-04-09.

Conditions:
Inborn genetic diseases. Identifiers: MedGen C0950123, MeSH D030342.

gnomAD v4.1: 3 of 1,613,956 alleles (0.00019%); highest among the groups gnomAD compares: Non-Finnish European, 0.00025%; no homozygotes.

Submissions (2):

Ambry Genetics
Classification: Uncertain significance for Inborn genetic diseases. Last evaluated: 2026-04-09. Review status: criteria provided, single submitter. Criteria: Ambry Variant Classification Scheme 2023. Collection method: clinical testing. Allele origin: germline.

Labcorp Genetics (formerly Invitae), Labcorp
Classification: Uncertain significance. Last evaluated: 2024-03-16. Review status: criteria provided, single submitter. Criteria: Invitae Variant Classification Sherloc (09022015). Collection method: clinical testing. Allele origin: germline.
Comment: This sequence change replaces aspartic acid, which is acidic and polar, with glutamic acid, which is acidic and polar, at codon 3798 of the KMT2A protein (p.Asp3798Glu). This variant is not present in population databases (gnomAD no frequency). This variant has not been reported in the literature in individuals affected with KMT2A-related conditions. Advanced modeling of protein sequence and biophysical properties (such as structural, functional, and spatial information, amino acid conservation, physicochemical variation, residue mobility, and thermodynamic stability) performed at Invitae indicates that this missense variant is not expected to disrupt KMT2A protein function with a negative predictive value of 95%. In summary, the available evidence is currently insufficient to determine the role of this variant in disease. Therefore, it has been classified as a Variant of Uncertain Significance.

NM_001197104.2(KMT2A):c.11394T>G (p.Asp3798Glu)

Genes: KMT2A (lysine methyltransferase 2A; plus strand), TTC36-AS1 (TTC36 and KMT2A antisense RNA 1; minus strand). Cytogenetic location: 11q23.3.
Variant type: single nucleotide variant.
Coding change: c.11394T>G on transcript NM_001197104.2 (MANE Select); coding-DNA position 11394, T replaced by G.
Protein change: p.Asp3798Glu; replaces aspartic acid 3798 with glutamic acid.
Molecular consequence: missense variant.
Genome position (GRCh38, 1-based): chr11:118,520,029, T>G. VCF-style: chr11-118520029-T-G. GRCh37 (hg19) VCF-style: chr11-118390744-T-G.
Other names: c.11484T>G, p.Asp3828Glu (NM_001412597.1); c.11385T>G, p.Asp3795Glu (NM_005933.4); short protein forms D3795E, D3798E, D3828E.
Identifiers: ClinVar variation 3696099 (VCV003696099.3).